The following is an entry in ClinVar:

NM_000383.4(AIRE):c.1424G>A (p.Cys475Tyr)

Gene: AIRE (autoimmune regulator; plus strand). Cytogenetic location: 21q22.3.
Variant type: single nucleotide variant.
Coding change: c.1424G>A on transcript NM_000383.4 (MANE Select); coding-DNA position 1424, G replaced by A.
Protein change: p.Cys475Tyr; replaces cysteine 475 with tyrosine.
Molecular consequence: missense variant.
Genome position (GRCh38, 1-based): chr21:44,294,424, G>A. VCF-style: chr21-44294424-G-A. GRCh37 (hg19) VCF-style: chr21-45714307-G-A.
Other names: short protein forms C475Y.
Identifiers: ClinVar variation 3637845 (VCV003637845.2).

ClinVar aggregate classification (germline): Uncertain significance (1 of 4 stars; one submission).

Conditions:
Polyglandular autoimmune syndrome, type 1 (APS1). Also called: HYPOADRENOCORTICISM WITH HYPOPARATHYROIDISM AND SUPERFICIAL MONILIASIS; PGA I; AUTOIMMUNE POLYENDOCRINE SYNDROME, TYPE I, WITH OR WITHOUT REVERSIBLE METAPHYSEAL DYSPLASIA; APS I; Autoimmune polyendocrinopathy syndrome , type I, with or without reversible metaphyseal dysplasia; Whitaker syndrome. Identifiers: Orphanet 3453, MedGen C0085859, MONDO:0009411, OMIM 240300.

Submission:

Labcorp Genetics (formerly Invitae), Labcorp
Classification: Uncertain significance for Polyglandular autoimmune syndrome, type 1. Last evaluated: 2025-01-02. Review status: criteria provided, single submitter. Criteria: Invitae Variant Classification Sherloc (09022015). Collection method: clinical testing. Allele origin: germline.
Comment: This sequence change replaces cysteine, which is neutral and slightly polar, with tyrosine, which is neutral and polar, at codon 475 of the AIRE protein (p.Cys475Tyr). This variant is not present in population databases (gnomAD no frequency). This variant has not been reported in the literature in individuals affected with AIRE-related conditions. Invitae Evidence Modeling of protein sequence and biophysical properties (such as structural, functional, and spatial information, amino acid conservation, physicochemical variation, residue mobility, and thermodynamic stability) indicates that this missense variant is expected to disrupt AIRE protein function with a positive predictive value of 95%. In summary, the available evidence is currently insufficient to determine the role of this variant in disease. Therefore, it has been classified as a Variant of Uncertain Significance.